The following is an entry in ClinVar:

ClinVar aggregate classification (germline): Uncertain significance (1 of 4 stars; one submission).

Conditions:
Mucopolysaccharidosis type 6 (MPS6). Also called: MPS 6; Maroteaux Lamy syndrome; MPS VI; N-ACETYLGALACTOSAMINE-4-SULFATASE DEFICIENCY; ARSB DEFICIENCY; ARYLSULFATASE B DEFICIENCY. Identifiers: Orphanet 583, MedGen C0026709, MONDO:0009661, OMIM 253200.

Submission:

Labcorp Genetics (formerly Invitae), Labcorp
Classification: Uncertain significance for Mucopolysaccharidosis type 6. Last evaluated: 2021-08-14. Review status: criteria provided, single submitter. Criteria: Invitae Variant Classification Sherloc (09022015). Collection method: clinical testing. Allele origin: germline.
Comment: This sequence change replaces aspartic acid with glutamic acid at codon 518 of the ARSB protein (p.Asp518Glu). The aspartic acid residue is highly conserved and there is a small physicochemical difference between aspartic acid and glutamic acid. This variant is not present in population databases (ExAC no frequency). This variant has not been reported in the literature in individuals affected with ARSB-related conditions. Advanced modeling of protein sequence and biophysical properties (such as structural, functional, and spatial information, amino acid conservation, physicochemical variation, residue mobility, and thermodynamic stability) performed at Invitae indicates that this missense variant is expected to disrupt ARSB protein function. In summary, the available evidence is currently insufficient to determine the role of this variant in disease. Therefore, it has been classified as a Variant of Uncertain Significance.

NM_000046.5(ARSB):c.1554C>A (p.Asp518Glu)

Gene: ARSB (arylsulfatase B; minus strand). Cytogenetic location: 5q14.1.
Variant type: single nucleotide variant.
Coding change: c.1554C>A on transcript NM_000046.5 (MANE Select); coding-DNA position 1554, C replaced by A.
Protein change: p.Asp518Glu; replaces aspartic acid 518 with glutamic acid.
Molecular consequence: missense variant.
Genome position (GRCh38, 1-based): chr5:78,780,445, G>T on the plus strand (C>A on the coding strand, the complement: ARSB is on the minus strand). VCF-style: chr5-78780445-G-T. GRCh37 (hg19) VCF-style: chr5-78076268-G-T.
Other names: short protein forms D518E.
Identifiers: ClinVar variation 1503297 (VCV001503297.5), dbSNP rs1233108073, ClinGen allele CA360338863.